The following is an entry in ClinVar:

ClinVar aggregate classification (germline): Uncertain significance (1 of 4 stars; one submission).

Conditions:
Hereditary cancer-predisposing syndrome. Also called: Neoplastic Syndromes, Hereditary; Tumor predisposition; Hereditary neoplastic syndrome; Hereditary Cancer Syndrome. Identifiers: Orphanet 140162, MedGen C0027672, MeSH D009386, MONDO:0015356.

gnomAD v4.1: 1 of 1,610,082 alleles (0.000062%); highest among the groups gnomAD compares: Non-Finnish European, 0.000085%; no homozygotes.

Submission:

Ambry Genetics
Classification: Uncertain significance for Hereditary cancer-predisposing syndrome. Last evaluated: 2026-07-07. Review status: criteria provided, single submitter. Criteria: Ambry Variant Classification Scheme 2023. Collection method: clinical testing. Allele origin: germline.
Comment: The p.I53M variant (also known as c.159C>G), located in coding exon 4 of the BAP1 gene, results from a C to G substitution at nucleotide position 159. The isoleucine at codon 53 is replaced by methionine, an amino acid with highly similar properties. This amino acid position is conserved. In addition, the in silico prediction for this alteration is inconclusive. Based on the available evidence, the clinical significance of this variant remains unclear.

NM_004656.4(BAP1):c.159C>G (p.Ile53Met)

Gene: BAP1 (BRCA1 associated deubiquitinase 1; minus strand). Cytogenetic location: 3p21.1.
Variant type: single nucleotide variant.
Coding change: c.159C>G on transcript NM_004656.4 (MANE Select); coding-DNA position 159, C replaced by G.
Protein change: p.Ile53Met; replaces isoleucine 53 with methionine.
Molecular consequence: missense variant.
Genome position (GRCh38, 1-based): chr3:52,408,570, G>C on the plus strand (C>G on the coding strand, the complement: BAP1 is on the minus strand). VCF-style: chr3-52408570-G-C. GRCh37 (hg19) VCF-style: chr3-52442586-G-C.
Other names: c.159C>G, p.Ile53Met (NM_001410772.1); short protein forms I53M.
Identifiers: ClinVar variation 5032729 (VCV005032729.1).